The following is an entry in ClinVar:

ClinVar aggregate classification (germline): Likely pathogenic. Review status: criteria provided, multiple submitters, no conflicts (2 of 4 stars). 2 submissions from 2 submitters: Likely pathogenic (2). Last evaluated 2024-04-09.

Conditions:
Pyruvate carboxylase deficiency. Also called: ATAXIA WITH LACTIC ACIDOSIS II; LEIGH NECROTIZING ENCEPHALOPATHY DUE TO PYRUVATE CARBOXYLASE DEFICIENCY; LEIGH SYNDROME DUE TO PYRUVATE CARBOXYLASE DEFICIENCY; PC DEFICIENCY; Pyruvate Carboxylase Deficiency Disease. Identifiers: Orphanet 3008, MedGen C0034341, MONDO:0009949, OMIM 266150.

Allele frequency attached by ClinVar (database versions not stated): gnomAD exomes below 0.00001.
gnomAD v4.1: 1 of 1,574,292 alleles (0.000064%); highest among the groups gnomAD compares: South Asian, 0.0012%; no homozygotes.

Submissions (2):

Fulgent Genetics
Classification: Likely pathogenic for Pyruvate carboxylase deficiency. Last evaluated: 2024-04-09. Review status: criteria provided, single submitter. Criteria: ACMG Guidelines, 2015. Collection method: clinical testing. Allele origin: germline.

Myriad Genetics, Inc.
Classification: Likely pathogenic for Pyruvate carboxylase deficiency. Last evaluated: 2022-02-25. Review status: criteria provided, single submitter. Criteria: Myriad Women's Health Autosomal Recessive and X-Linked Classification Criteria (2021). Collection method: clinical testing. Allele origin: unknown.
Comment: NM_000920.3(PC):c.280C>T(Q94*) is expected to be pathogenic in the context of pyruvate carboxylase deficiency. This variant is predicted to lead to an abnormal or absent protein product due to the creation of a premature termination codon in PC, a gene where loss-of-function variants are known to be pathogenic. Please note: this variant was assessed in the context of healthy population screening.

NM_001040716.2(PC):c.280C>T (p.Gln94Ter)

Gene: PC (pyruvate carboxylase; minus strand). Cytogenetic location: 11q13.2.
Variant type: single nucleotide variant.
Coding change: c.280C>T on transcript NM_001040716.2 (MANE Select); coding-DNA position 280, C replaced by T.
Protein change: p.Gln94Ter; replaces glutamine 94 with a stop codon.
Molecular consequence: nonsense.
Genome position (GRCh38, 1-based): chr11:66,871,728, G>A on the plus strand (C>T on the coding strand, the complement: PC is on the minus strand). VCF-style: chr11-66871728-G-A. GRCh37 (hg19) VCF-style: chr11-66639199-G-A.
Other names: c.280C>T, p.Gln94Ter (NM_000920.4, NM_022172.3); short protein forms Q94*.
Identifiers: ClinVar variation 1724661 (VCV001724661.3), dbSNP rs867332885, ClinGen allele CA224095752.